The following is an entry in ClinVar:

NM_000053.4(ATP7B):c.3577G>A (p.Ala1193Thr)

Gene: ATP7B (ATPase copper transporting beta; minus strand). Cytogenetic location: 13q14.3.
Variant type: single nucleotide variant.
Coding change: c.3577G>A on transcript NM_000053.4 (MANE Select); coding-DNA position 3577, G replaced by A.
Protein change: p.Ala1193Thr; replaces alanine 1193 with threonine.
Molecular consequence: missense variant.
Genome position (GRCh38, 1-based): chr13:51,939,173, C>T on the plus strand (G>A on the coding strand, the complement: ATP7B is on the minus strand). VCF-style: chr13-51939173-C-T. GRCh37 (hg19) VCF-style: chr13-52513309-C-T.
Other names: c.2956G>A, p.Ala986Thr (NM_001005918.3); c.3244G>A, p.Ala1082Thr (NM_001243182.2); c.3481G>A, p.Ala1161Thr (NM_001406518.1, NM_001406517.1); c.3442G>A, p.Ala1148Thr (NM_001406519.1); c.3433G>A, p.Ala1145Thr (NM_001406520.1, NM_001406521.1, NM_001406522.1); c.3394G>A, p.Ala1132Thr (NM_001406523.1); c.3400G>A, p.Ala1134Thr (NM_001406524.1); c.3382G>A, p.Ala1128Thr (NM_001406525.1); and 20 more; short protein forms A1029T, A1044T, A1050T, A1080T, A1115T, A1175T, A1193T, A986T.
Identifiers: ClinVar variation 2167949 (VCV002167949.3), dbSNP rs769531525, ClinGen allele CA250075195.

ClinVar aggregate classification (germline): Uncertain significance. Review status: criteria provided, multiple submitters, no conflicts (2 of 4 stars). 3 submissions from 3 submitters: Uncertain significance (3). Last evaluated 2024-03-09.

Conditions:
Wilson disease (WND). Also called: Wilson's disease. Identifiers: Orphanet 905, MedGen C0019202, MONDO:0010200, OMIM 277900. Disease mechanism: loss of function.

Allele frequency attached by ClinVar (database versions not stated): TOPMed 0.00003; gnomAD 0.00004.
gnomAD v4.1: 19 of 1,613,582 alleles (0.0012%); highest among the groups gnomAD compares: African/African-American, 0.015%; no homozygotes.

Submissions (3):

Fulgent Genetics
Classification: Uncertain significance for Wilson disease. Last evaluated: 2024-03-09. Review status: criteria provided, single submitter. Criteria: ACMG Guidelines, 2015. Collection method: clinical testing. Allele origin: germline.

All of Us Research Program, National Institutes of Health
Classification: Uncertain significance for Wilson disease. Last evaluated: 2023-08-25. Review status: criteria provided, single submitter. Criteria: ACMG Guidelines, 2015. Collection method: clinical testing. Allele origin: germline. Inheritance: Autosomal recessive inheritance. Observed: 2 variant alleles, 2 heterozygotes.
Comment: This missense variant replaces alanine with threonine at codon 1193 of the ATP7B protein. Computational prediction suggests that this variant may have deleterious impact on protein structure and function (internally defined REVEL score threshold >= 0.7, PMID: 27666373). To our knowledge, functional studies have not been reported for this variant. This variant has not been reported in individuals affected with Wilson disease in the literature. This variant has been identified in 4/280384 chromosomes in the general population by the Genome Aggregation Database (gnomAD). The available evidence is insufficient to determine the role of this variant in disease conclusively. Therefore, this variant is classified as a Variant of Uncertain Significance.

This study involves interpretation of variants in research participants for the purpose of population health screening. Participant phenotype was not available at the time of variant classification. Additional details can be found in publication PMID: 35346344, PMCID: PMC8962531

Labcorp Genetics (formerly Invitae), Labcorp
Classification: Uncertain significance for Wilson disease. Last evaluated: 2022-05-25. Review status: criteria provided, single submitter. Criteria: Invitae Variant Classification Sherloc (09022015). Collection method: clinical testing. Allele origin: germline.
Comment: This sequence change replaces alanine, which is neutral and non-polar, with threonine, which is neutral and polar, at codon 1193 of the ATP7B protein (p.Ala1193Thr). The frequency data for this variant in the population databases is considered unreliable, as metrics indicate poor data quality at this position in the gnomAD database. This variant has not been reported in the literature in individuals affected with ATP7B-related conditions. Algorithms developed to predict the effect of missense changes on protein structure and function are either unavailable or do not agree on the potential impact of this missense change (SIFT: "Deleterious"; PolyPhen-2: "Possibly Damaging"; Align-GVGD: "Class C0"). In summary, the available evidence is currently insufficient to determine the role of this variant in disease. Therefore, it has been classified as a Variant of Uncertain Significance.